The following is an entry in ClinVar:

NM_021020.5(LZTS1):c.703G>A (p.Gly235Arg)

Gene: LZTS1 (leucine zipper tumor suppressor 1; minus strand). Cytogenetic location: 8p21.3.
Variant type: single nucleotide variant.
Coding change: c.703G>A on transcript NM_021020.5 (MANE Select); coding-DNA position 703, G replaced by A.
Protein change: p.Gly235Arg; replaces glycine 235 with arginine.
Molecular consequence: missense variant.
Genome position (GRCh38, 1-based): chr8:20,253,228, C>T on the plus strand (G>A on the coding strand, the complement: LZTS1 is on the minus strand). VCF-style: chr8-20253228-C-T. GRCh37 (hg19) VCF-style: chr8-20110739-C-T.
Other names: c.703G>A, p.Gly235Arg (NM_001362884.2); short protein forms G235R.
Identifiers: ClinVar variation 2782204 (VCV002782204.3), dbSNP rs1259821365, ClinGen allele CA370477712.

ClinVar aggregate classification (germline): Uncertain significance (1 of 4 stars; one submission).

Allele frequency attached by ClinVar (database versions not stated): gnomAD 0.00001; gnomAD exomes 0.00001.
gnomAD v4.1: 10 of 1,613,844 alleles (0.00062%); highest among the groups gnomAD compares: East Asian, 0.0022%; no homozygotes.

Submission:

Labcorp Genetics (formerly Invitae), Labcorp
Classification: Uncertain significance. Last evaluated: 2023-05-21. Review status: criteria provided, single submitter. Criteria: Invitae Variant Classification Sherloc (09022015). Collection method: clinical testing. Allele origin: germline.
Comment: This variant is present in population databases (no rsID available, gnomAD 0.006%). This sequence change replaces glycine, which is neutral and non-polar, with arginine, which is basic and polar, at codon 235 of the LZTS1 protein (p.Gly235Arg). This variant has not been reported in the literature in individuals affected with LZTS1-related conditions. In summary, the available evidence is currently insufficient to determine the role of this variant in disease. Therefore, it has been classified as a Variant of Uncertain Significance. Advanced modeling of protein sequence and biophysical properties (such as structural, functional, and spatial information, amino acid conservation, physicochemical variation, residue mobility, and thermodynamic stability) performed at Invitae indicates that this missense variant is not expected to disrupt LZTS1 protein function.